The following is an entry in ClinVar:

NM_014297.5(ETHE1):c.263C>A (p.Ser88Ter)

Gene: ETHE1 (ETHE1 persulfide dioxygenase; minus strand). Cytogenetic location: 19q13.31.
Variant type: single nucleotide variant.
Coding change: c.263C>A on transcript NM_014297.5 (MANE Select); coding-DNA position 263, C replaced by A.
Protein change: p.Ser88Ter; replaces serine 88 with a stop codon.
Molecular consequence: nonsense. On other transcripts: intron variant (2).
Genome position (GRCh38, 1-based): chr19:43,526,313, G>T on the plus strand (C>A on the coding strand, the complement: ETHE1 is on the minus strand). VCF-style: chr19-43526313-G-T. GRCh37 (hg19) VCF-style: chr19-44030465-G-T.
Other names: c.230C>A, p.Ser77Ter (NM_001320867.2); c.81+784C>A (NM_001320869.2); c.6+202C>A (NM_001320868.2); short protein forms S77*, S88*.
Identifiers: ClinVar variation 4815657 (VCV004815657.1).
Genomic context (GRCh38, chr19:43,526,313, plus strand): 5'-GCCCCACTAAGGCGGGAGATGACAGACTGGCAGCCAGGGAGGAGGGAACGGAGCAGCCCC[G>T]AGCCTGTAATGTGGTCCGCGTGGCAGTGGGTATTCACTGGGAGAGAGAGGAGGGACAGGT-3'

ClinVar aggregate classification (germline): Likely pathogenic (1 of 4 stars; one submission).

Conditions:
Ethylmalonic encephalopathy (EE). Also called: EPEMA syndrome; Encephalopathy, petechiae, and ethylmalonic aciduria; Syndrome of encephalopathy, petechiae, and ethylmalonic aciduria. Identifiers: Orphanet 51188, MedGen C1865349, MONDO:0011229, OMIM 602473. Disease mechanism: loss of function.

Submission:

Natera, Inc.
Classification: Likely pathogenic for Ethylmalonic encephalopathy. Last evaluated: 2024-06-20. Review status: criteria provided, single submitter. Criteria: Natera Variant Classification Schema (03/2026). Collection method: clinical testing. Allele origin: germline.
Comment: The c.263C>A variant in ETHE1 is a nonsense variant predicted to introduce a stop codon at amino acid 88. This variant is expected to result in nonsense mediated decay, truncation, or a dysfunctional protein product. This variant is rare in the general population with a frequency below the threshold expected for the associated phenotype(s). Given the available evidence, this variant is classified as Likely Pathogenic.